The following is an entry in ClinVar:

NM_000548.5(TSC2):c.5390T>G (p.Ile1797Ser)

Gene: TSC2 (TSC complex subunit 2; plus strand). Cytogenetic location: 16p13.3.
Variant type: single nucleotide variant.
Coding change: c.5390T>G on transcript NM_000548.5 (MANE Select); coding-DNA position 5390, T replaced by G.
Protein change: p.Ile1797Ser; replaces isoleucine 1797 with serine.
Molecular consequence: missense variant. On other transcripts: non-coding transcript variant (5).
Genome position (GRCh38, 1-based): chr16:2,088,576, T>G. VCF-style: chr16-2088576-T-G. GRCh37 (hg19) VCF-style: chr16-2138577-T-G.
Other names: c.5189T>G, p.Ile1730Ser (NM_001077183.3); c.5321T>G, p.Ile1774Ser (NM_001114382.3); c.5081T>G, p.Ile1694Ser (NM_001318827.2); c.5045T>G, p.Ile1682Ser (NM_001318829.2); c.4658T>G, p.Ile1553Ser (NM_001318831.2); c.5222T>G, p.Ile1741Ser (NM_001318832.2); c.5192T>G, p.Ile1731Ser (NM_001363528.2); c.5258T>G, p.Ile1753Ser (NM_001370404.1); and 27 more; short protein forms I1577S, I1597S, I1681S, I1726S, I1741S, I1753S, I1771S, I1773S.
Identifiers: ClinVar variation 2626457 (VCV002626457.2), dbSNP rs2151642406, ClinGen allele CA394316074.

ClinVar aggregate classification (germline): Uncertain significance (1 of 4 stars; one submission).

Conditions:
Hereditary cancer-predisposing syndrome. Also called: Tumor predisposition; Hereditary Cancer Syndrome; Hereditary neoplastic syndrome; Neoplastic Syndromes, Hereditary. Identifiers: Orphanet 140162, MedGen C0027672, MeSH D009386, MONDO:0015356.

Submission:

Ambry Genetics
Classification: Uncertain significance for Hereditary cancer-predisposing syndrome. Last evaluated: 2023-09-06. Review status: criteria provided, single submitter. Criteria: Ambry Variant Classification Scheme 2023. Collection method: clinical testing. Allele origin: germline.
Comment: The p.I1797S variant (also known as c.5390T>G), located in coding exon 41 of the TSC2 gene, results from a T to G substitution at nucleotide position 5390. The isoleucine at codon 1797 is replaced by serine, an amino acid with dissimilar properties. This amino acid position is conserved. In addition, this alteration is predicted to be deleterious by in silico analysis. Since supporting evidence is limited at this time, the clinical significance of this alteration remains unclear.